The following is an entry in ClinVar:

NM_000271.5(NPC1):c.2134G>T (p.Asp712Tyr)

Gene: NPC1 (NPC intracellular cholesterol transporter 1; minus strand). Cytogenetic location: 18q11.2.
Variant type: single nucleotide variant.
Coding change: c.2134G>T on transcript NM_000271.5 (MANE Select); coding-DNA position 2134, G replaced by T.
Protein change: p.Asp712Tyr; replaces aspartic acid 712 with tyrosine.
Molecular consequence: missense variant.
Genome position (GRCh38, 1-based): chr18:23,543,566, C>A on the plus strand (G>T on the coding strand, the complement: NPC1 is on the minus strand). VCF-style: chr18-23543566-C-A. GRCh37 (hg19) VCF-style: chr18-21123530-C-A.
Other names: short protein forms D712Y.
Identifiers: ClinVar variation 2852245 (VCV002852245.3), dbSNP rs776682510, ClinGen allele CA401771213.

ClinVar aggregate classification (germline): Likely pathogenic (1 of 4 stars; one submission).

Conditions:
Niemann-Pick disease, type C1. Also called: NEUROVISCERAL STORAGE DISEASE WITH VERTICAL SUPRANUCLEAR OPHTHALMOPLEGIA; NIEMANN-PICK DISEASE WITH CHOLESTEROL ESTERIFICATION BLOCK; NIEMANN-PICK DISEASE WITHOUT SPHINGOMYELINASE DEFICIENCY; NIEMANN-PICK DISEASE, CHRONIC NEURONOPATHIC FORM; NIEMANN-PICK DISEASE, VARIANT TYPE C1. Identifiers: Orphanet 646, MedGen C3179455, MONDO:0009757, OMIM 257220.

Submission:

Labcorp Genetics (formerly Invitae), Labcorp
Classification: Likely pathogenic for Niemann-Pick disease, type C1. Last evaluated: 2023-04-06. Review status: criteria provided, single submitter. Criteria: Invitae Variant Classification Sherloc (09022015). Collection method: clinical testing. Allele origin: germline.
Comment: This sequence change replaces aspartic acid, which is acidic and polar, with tyrosine, which is neutral and polar, at codon 712 of the NPC1 protein (p.Asp712Tyr). This variant is not present in population databases (gnomAD no frequency). This variant has not been reported in the literature in individuals affected with NPC1-related conditions. Advanced modeling of protein sequence and biophysical properties (such as structural, functional, and spatial information, amino acid conservation, physicochemical variation, residue mobility, and thermodynamic stability) performed at Invitae indicates that this missense variant is expected to disrupt NPC1 protein function. Algorithms developed to predict the effect of sequence changes on RNA splicing suggest that this variant may create or strengthen a splice site. This variant disrupts the p.Asp712 amino acid residue in NPC1. Other variant(s) that disrupt this residue have been determined to be pathogenic (PMID: 32138288). This suggests that this residue is clinically significant, and that variants that disrupt this residue are likely to be disease-causing. In summary, the currently available evidence indicates that the variant is pathogenic, but additional data are needed to prove that conclusively. Therefore, this variant has been classified as Likely Pathogenic.

Literature cited by the submitters: PubMed 32138288.